The following is an entry in ClinVar:

NM_001386298.1(CIC):c.3658+1del

Gene: CIC (capicua transcriptional repressor; plus strand). Cytogenetic location: 19q13.2.
Variant type: Deletion.
Coding change: c.3658+1del on transcript NM_001386298.1 (MANE Select); the canonical splice donor site of the intron after coding-DNA position 3658, one base deleted (G; older notation c.3658+1delG).
Molecular consequence: splice donor variant.
Genome position (GRCh38, 1-based): chr19:42,287,976, G deleted; the last of 5 consecutive G bases (chr19:42,287,972-42,287,976); deleting any one gives the same sequence. VCF-style (leftmost placement, unchanged base first): chr19-42287971-TG-T. GRCh37 (hg19) VCF-style: chr19-42792123-TG-T.
Other names: c.3658+1del (NM_001304815.2, NM_001439186.1, NM_001439183.1 and 6 more transcripts); c.931+1del (NM_015125.5, NM_001379484.1, NM_001439190.1 and 3 more transcripts).
Identifiers: ClinVar variation 5017157 (VCV005017157.1).
Genomic context (GRCh38, chr19:42,287,971, plus strand): 5'-AGGAGGGCACAAGGAGACGCGGGAGCGGAGCATGTCGGAGACGGGCACTGCTGCTGCCCC[TG>T]GGGGTTAGTCAGCCCCTTGGCTCTCCCACCCTGCCACCTCCCTCCCCGAGAGCCACCAGC-3'

ClinVar aggregate classification (germline): Pathogenic (1 of 4 stars; one submission).

Submission:

GeneDx
Classification: Pathogenic. Last evaluated: 2026-03-25. Review status: criteria provided, single submitter. Criteria: GeneDx Variant Classification Process June 2021. Collection method: clinical testing. Allele origin: germline.
Comment: Canonical splice site variant predicted to result in a null allele in a gene for which loss of function is a known mechanism of disease; Not observed at significant frequency in large population cohorts (gnomAD); Has not been previously published as pathogenic or benign to our knowledge